The following is an entry in ClinVar:

NM_001267550.2(TTN):c.69103G>A (p.Val23035Ile)

Genes: TTN (titin; minus strand), TTN-AS1 (TTN antisense RNA 1; plus strand). Cytogenetic location: 2q31.2.
Variant type: single nucleotide variant.
Coding change: c.69103G>A on transcript NM_001267550.2 (MANE Select); coding-DNA position 69103, G replaced by A.
Protein change: p.Val23035Ile; replaces valine 23035 with isoleucine.
Molecular consequence: missense variant.
Genome position (GRCh38, 1-based): chr2:178,577,232, C>T on the plus strand (G>A on the coding strand, the complement: TTN is on the minus strand). VCF-style: chr2-178577232-C-T. GRCh37 (hg19) VCF-style: chr2-179441959-C-T.
Other names: c.64180G>A, p.Val21394Ile (NM_001256850.1); c.41908G>A, p.Val13970Ile (NM_003319.4); c.61399G>A, p.Val20467Ile (NM_133378.4); c.42283G>A, p.Val14095Ile (NM_133432.3); c.42484G>A, p.Val14162Ile (NM_133437.4); short protein forms V23035I, V21394I, V13970I, V14162I, V14095I, V20467I.
Identifiers: ClinVar variation 535431 (VCV000535431.9), dbSNP rs200878877, ClinGen allele CA1990987.

ClinVar aggregate classification (germline): Uncertain significance. Review status: criteria provided, multiple submitters, no conflicts (2 of 4 stars). 6 submissions from 6 submitters: Uncertain significance (6). Last evaluated 2026-08-13.

Conditions:
Cardiovascular phenotype. Identifiers: MedGen CN230736.
Dilated cardiomyopathy 1G (CMD1G). Identifiers: Orphanet 154, MedGen C1858763, MONDO:0011400, OMIM 604145.
Autosomal recessive limb-girdle muscular dystrophy type 2J (LGMDR10). Also called: MUSCULAR DYSTROPHY, LIMB-GIRDLE, AUTOSOMAL RECESSIVE 10; Limb-girdle muscular dystrophy, type 2J. Identifiers: Orphanet 140922, MedGen C1837342, MONDO:0012127, OMIM 608807.
TTN-related myopathy. Identifiers: MedGen CN294812, MONDO:0100175.
TTN-related disorder. Also called: TTN-related condition; TTN-related disease; TTN-related disorders.

Allele frequency attached by ClinVar (database versions not stated): gnomAD 0.00006; TOPMed 0.00007; ESP Exome Variant Server 0.00016.
gnomAD v4.1: 132 of 1,612,764 alleles (0.0082%); highest among the groups gnomAD compares: Non-Finnish European, 0.0098%; 1 homozygote.

Submissions (6):

PreventionGenetics, part of Exact Sciences
Classification: Uncertain significance for TTN-related condition. Last evaluated: 2026-08-13. Review status: criteria provided, single submitter. Criteria: ACMG Guidelines, 2015. Collection method: clinical testing. Allele origin: germline.
Comment: The TTN c.69103G>A variant is predicted to result in the amino acid substitution p.Val23035Ile. To our knowledge, this variant has not been reported in the literature. This variant is reported in 0.019% of alleles in individuals of European (Non-Finnish) descent in gnomAD. At this time, the clinical significance of this variant is uncertain due to the absence of conclusive functional and genetic evidence.

Revvity Omics, Revvity
Classification: Uncertain significance. Last evaluated: 2025-06-18. Review status: criteria provided, single submitter. Criteria: ACMG Guidelines, 2015. Collection method: clinical testing. Allele origin: germline.

Women's Health and Genetics/Laboratory Corporation of America, LabCorp
Classification: Uncertain significance. Last evaluated: 2022-01-30. Review status: criteria provided, single submitter. Criteria: LabCorp Variant Classification Summary - May 2015. Collection method: clinical testing. Allele origin: germline.
Comment: Variant summary: TTN c.61399G>A (p.Val20467Ile) results in a conservative amino acid change located in the A-band region of the encoded protein sequence. Three of five in-silico tools predict a damaging effect of the variant on protein function. The variant allele was found at a frequency of 9.3e-05 in 247780 control chromosomes. This frequency is not significantly higher than expected for a pathogenic variant in TTN causing Dilated Cardiomyopathy (9.3e-05 vs 0.00039), allowing no conclusion about variant significance. To our knowledge, no occurrence of c.61399G>A in individuals affected with Dilated Cardiomyopathy and no experimental evidence demonstrating its impact on protein function have been reported. At-least one co-occurrence with another pathogenic variant(s) has been observed at our laboratory (MYH7 c.2722C>G, p.Leu908Val), providing supporting evidence for a benign role. One clinical diagnostic laboratory has submitted clinical-significance assessments for this variant to ClinVar after 2014 without evidence for independent evaluation and classified the variant as uncertain significance. Based on the evidence outlined above, the variant was classified as uncertain significance.

Department of Pathology and Laboratory Medicine, Sinai Health System
Classification: Uncertain significance for TTN-related myopathy. Last evaluated: 2021-01-26. Review status: criteria provided, single submitter. Criteria: ACMG Guidelines, 2015. Collection method: research. Allele origin: germline.

Ambry Genetics
Classification: Uncertain significance for Cardiovascular phenotype. Last evaluated: 2020-01-15. Review status: criteria provided, single submitter. Criteria: Ambry Variant Classification Scheme 2023. Collection method: clinical testing. Allele origin: germline.
Comment: The p.V13970I variant (also known as c.41908G>A), located in coding exon 151 of the TTN gene, results from a G to A substitution at nucleotide position 41908. The valine at codon 13970 is replaced by isoleucine, an amino acid with highly similar properties. This amino acid position is highly conserved in available vertebrate species. In addition, this alteration is predicted to be tolerated by in silico analysis. Since supporting evidence is limited at this time, the clinical significance of this alteration remains unclear.

Labcorp Genetics (formerly Invitae), Labcorp
Classification: Uncertain significance for Dilated cardiomyopathy 1G; Autosomal recessive limb-girdle muscular dystrophy type 2J. Last evaluated: 2017-09-05. Review status: criteria provided, single submitter. Criteria: Invitae Variant Classification Sherloc (09022015). Collection method: clinical testing. Allele origin: germline.